The following is an entry in ClinVar:

ClinVar aggregate classification (germline): Uncertain significance (1 of 4 stars; one submission).

Conditions:
Brugada syndrome. Also called: Sudden unexpected nocturnal death syndrome; Sudden Unexplained Death Syndrome; Sudden Unexplained Nocturnal Death Syndrome (SUNDS); Sudden unexplained nocturnal death syndrome. Identifiers: Orphanet 130, MedGen C1142166, MONDO:0015263.

Submission:

Labcorp Genetics (formerly Invitae), Labcorp
Classification: Uncertain significance for Brugada syndrome. Last evaluated: 2025-08-18. Review status: criteria provided, single submitter. Criteria: Invitae Variant Classification Sherloc (09022015). Collection method: clinical testing. Allele origin: germline.
Comment: This sequence change creates a premature translational stop signal (p.Ala123Profs*25) in the SCN10A gene. It is expected to result in an absent or disrupted protein product. However, the current clinical and genetic evidence is not sufficient to establish whether loss-of-function variants in SCN10A cause disease. This variant is not present in population databases (gnomAD no frequency). This variant has not been reported in the literature in individuals affected with SCN10A-related conditions. In summary, the available evidence is currently insufficient to determine the role of this variant in disease. Therefore, it has been classified as a Variant of Uncertain Significance.

NM_006514.4(SCN10A):c.367del (p.Ala123fs)

Gene: SCN10A (sodium voltage-gated channel alpha subunit 10; minus strand). Cytogenetic location: 3p22.2.
Variant type: Deletion.
Coding change: c.367del on transcript NM_006514.4 (MANE Select); coding-DNA position 367, one base deleted (G; older notation c.367delG).
Protein change: p.Ala123fs; shifts the reading frame from alanine 123.
Molecular consequence: frameshift variant.
Genome position (GRCh38, 1-based): chr3:38,792,072, C deleted on the plus strand (G on the coding strand, the reverse complement: SCN10A is on the minus strand); the first of 2 consecutive C bases (chr3:38,792,072-38,792,073); deleting either gives the same sequence. VCF-style (leftmost placement, unchanged base first): chr3-38792071-GC-G. GRCh37 (hg19) VCF-style: chr3-38833562-GC-G.
Other names: c.367del, p.Ala123fs (NM_001293307.2, NM_001293306.2); short protein forms A123fs.
Identifiers: ClinVar variation 4761652 (VCV004761652.1).